The following is an entry in ClinVar:

ClinVar aggregate classification (germline): Pathogenic (1 of 4 stars; one submission).

Submission:

GeneDx
Classification: Pathogenic. Last evaluated: 2023-03-15. Review status: criteria provided, single submitter. Criteria: GeneDx Variant Classification Process June 2021. Collection method: clinical testing. Allele origin: germline. Affected: yes.
Comment: Nonsense variant predicted to result in protein truncation, as the last 439 amino acids are lost, and other loss-of-function variants have been reported downstream in HGMD; Not observed at significant frequency in large population cohorts (gnomAD); This variant is associated with the following publications: (PMID: 15706485, 21932317)

NM_004380.3(CREBBP):c.6010C>T (p.Arg2004Ter)

Gene: CREBBP (CREB binding protein; minus strand). Cytogenetic location: 16p13.3.
Variant type: single nucleotide variant.
Coding change: c.6010C>T on transcript NM_004380.3 (MANE Select); coding-DNA position 6010, C replaced by T.
Protein change: p.Arg2004Ter; replaces arginine 2004 with a stop codon.
Molecular consequence: nonsense.
Genome position (GRCh38, 1-based): chr16:3,729,037, G>A on the plus strand (C>T on the coding strand, the complement: CREBBP is on the minus strand). VCF-style: chr16-3729037-G-A. GRCh37 (hg19) VCF-style: chr16-3779038-G-A.
Other names: c.5896C>T, p.Arg1966Ter (NM_001079846.1); short protein forms R2004*, R1966*.
Identifiers: ClinVar variation 265084 (VCV000265084.3), dbSNP rs886039331, ClinGen allele CA10588617.